The following is an entry in ClinVar:

NM_000441.2(SLC26A4):c.2069T>C (p.Val690Ala)

Gene: SLC26A4 (solute carrier family 26 member 4; plus strand). Cytogenetic location: 7q22.3.
Variant type: single nucleotide variant.
Coding change: c.2069T>C on transcript NM_000441.2 (MANE Select); coding-DNA position 2069, T replaced by C.
Protein change: p.Val690Ala; replaces valine 690 with alanine.
Molecular consequence: missense variant.
Genome position (GRCh38, 1-based): chr7:107,704,365, T>C. VCF-style: chr7-107704365-T-C. GRCh37 (hg19) VCF-style: chr7-107344810-T-C.
Other names: c.2069T>C (NM_000441.1); short protein forms V690A.
Identifiers: ClinVar variation 3720767 (VCV003720767.3).
Genomic context (GRCh38, chr7:107,704,365, plus strand): 5'-TACAAACTCTCCTTTTTTATTTTTAGATTGTCAAAGAATTCCAAAGAATTGATGTGAATG[T>C]GTATTTTGCATCACTTCAAGGTAAATACATATATCTACATATCTACCTGTAAGACTTTCC-3'
Protein context (NP_000432.1, residues 680-700): VKEFQRIDVN[Val690Ala]YFASLQDYVI

ClinVar aggregate classification (germline): Conflicting classifications of pathogenicity. Review status: criteria provided, conflicting classifications (1 of 4 stars). 2 submissions from 2 submitters: Likely pathogenic (1); Uncertain significance (1). Last evaluated 2025-06-05.

Conditions:
Pendred syndrome (PDS). Also called: Pendred Syndrome (PDS); GOITER-DEAFNESS SYNDROME; HYPOTHYROIDISM, CONGENITAL, DUE TO DYSHORMONOGENESIS, 2B; THYROID DYSHORMONOGENESIS 2B; THYROID HORMONOGENESIS, GENETIC DEFECT IN, 2B; Pendred's syndrome. Identifiers: Orphanet 705, MedGen C0271829, MONDO:0010134, OMIM 274600.

Submissions (2):

Natera, Inc.
Classification: Likely pathogenic for Pendred syndrome. Last evaluated: 2025-06-05. Review status: criteria provided, single submitter. Criteria: Natera Variant Classification Schema (03/2026). Collection method: clinical testing. Allele origin: germline.
Comment: The c.2069T>C variant in SLC26A4 is a missense variant predicted to cause substitution of valine to alanine at amino acid 690. This variant is rare in the general population with a frequency below the threshold expected for the associated phenotype(s). This variant has been observed in one or more individuals affected with the associated recessive disease, as either homozygous or compound heterozygous with a second variant (PMID: 16570074). A different variant at the same position has been determined to be Pathogenic or Likely Pathogenic. Computational prediction algorithms indicate this variant is likely to affect gene or protein function. Given the available evidence, this variant is classified as Likely Pathogenic.

Labcorp Genetics (formerly Invitae), Labcorp
Classification: Uncertain significance. Last evaluated: 2024-06-11. Review status: criteria provided, single submitter. Criteria: Invitae Variant Classification Sherloc (09022015). Collection method: clinical testing. Allele origin: germline.
Comment: This sequence change replaces valine, which is neutral and non-polar, with alanine, which is neutral and non-polar, at codon 690 of the SLC26A4 protein (p.Val690Ala). This variant is not present in population databases (gnomAD no frequency). This missense change has been observed in individual(s) with deafness (PMID: 16570074). Advanced modeling of protein sequence and biophysical properties (such as structural, functional, and spatial information, amino acid conservation, physicochemical variation, residue mobility, and thermodynamic stability) performed at Invitae indicates that this missense variant is expected to disrupt SLC26A4 protein function with a positive predictive value of 80%. In summary, the available evidence is currently insufficient to determine the role of this variant in disease. Therefore, it has been classified as a Variant of Uncertain Significance.

Literature cited by the submitters: PubMed 16570074 (cited by Natera, Inc. and Labcorp Genetics (formerly Invitae), Labcorp).